The following is an entry in ClinVar:

ClinVar aggregate classification (germline): Uncertain significance (1 of 4 stars; one submission).

Submission:

Labcorp Genetics (formerly Invitae), Labcorp
Classification: Uncertain significance. Last evaluated: 2023-06-17. Review status: criteria provided, single submitter. Criteria: Invitae Variant Classification Sherloc (09022015). Collection method: clinical testing. Allele origin: germline.
Comment: This variant has not been reported in the literature in individuals affected with COL9A3-related conditions. This variant is not present in population databases (gnomAD no frequency). In summary, the available evidence is currently insufficient to determine the role of this variant in disease. Therefore, it has been classified as a Variant of Uncertain Significance. Algorithms developed to predict the effect of sequence changes on RNA splicing suggest that this variant may disrupt the consensus splice site. This sequence change affects a donor splice site in intron 22 of the COL9A3 gene. However, it is currently unclear if variants that occur in this region of the gene cause disease.

NM_001853.4(COL9A3):c.1161+1G>A

Gene: COL9A3 (collagen type IX alpha 3 chain; plus strand). Cytogenetic location: 20q13.33.
Variant type: single nucleotide variant.
Coding change: c.1161+1G>A on transcript NM_001853.4 (MANE Select); the canonical splice donor site of the intron after coding-DNA position 1161, G replaced by A.
Molecular consequence: splice donor variant.
Genome position (GRCh38, 1-based): chr20:62,829,820, G>A. VCF-style: chr20-62829820-G-A. GRCh37 (hg19) VCF-style: chr20-61461172-G-A.
Identifiers: ClinVar variation 2802559 (VCV002802559.3), dbSNP rs2516059716, ClinGen allele CA409593821.